The following is an entry in ClinVar:

NM_024426.6(WT1):c.1045C>G (p.His349Asp)

Gene: WT1 (WT1 transcription factor; minus strand). Cytogenetic location: 11p13.
Variant type: single nucleotide variant.
Coding change: c.1045C>G on transcript NM_024426.6 (MANE Select); coding-DNA position 1045, C replaced by G.
Protein change: p.His349Asp; replaces histidine 349 with aspartic acid.
Molecular consequence: missense variant. On other transcripts: 5 prime UTR variant (1), non-coding transcript variant (2).
Genome position (GRCh38, 1-based): chr11:32,400,016, G>C on the plus strand (C>G on the coding strand, the complement: WT1 is on the minus strand). VCF-style: chr11-32400016-G-C. GRCh37 (hg19) VCF-style: chr11-32421562-G-C.
Other names: c.994C>G, p.His332Asp (NM_000378.6, NM_001407045.1, NM_001407048.1 and 1 more transcripts); c.394C>G, p.His132Asp (NM_001198551.2); c.343C>G, p.His115Asp (NM_001198552.2); c.-144C>G (NM_001367854.1); c.1039C>G, p.His347Asp (NM_001407044.1); c.1045C>G, p.His349Asp (NM_001407046.1, NM_024424.5); c.922C>G, p.His308Asp (NM_001407047.1); c.871C>G, p.His291Asp (NM_001407050.1); and 3 more; short protein forms H115D, H132D, H259D, H276D, H291D, H308D, H332D, H344D.
Identifiers: ClinVar variation 3755901 (VCV003755901.2).

ClinVar aggregate classification (germline): Uncertain significance (1 of 4 stars; one submission).

Conditions:
Wilms tumor 1 (WT1). Also called: Wilms tumor, somatic. Identifiers: Orphanet 654, MedGen CN033288, MONDO:0008679, OMIM 194070.
11p partial monosomy syndrome (WAGR). Also called: WAGR syndrome; WAGR Complex; CHROMOSOME 11p13 DELETION SYNDROME; WAGR Spectrum Disorder. Identifiers: Orphanet 893, MedGen C0206115, MONDO:0008681, OMIM 194072.
Frasier syndrome. Identifiers: Orphanet 347, MedGen C0950122, MeSH D052159, MONDO:0007635, OMIM 136680.
Drash syndrome (DDS). Also called: NEPHROPATHY, WILMS TUMOR, AND GENITAL ANOMALIES; WILMS TUMOR AND PSEUDO- OR TRUE HERMAPHRODITISM. Identifiers: Orphanet 220, MedGen C0950121, MONDO:0008682, OMIM 194080.

gnomAD v4.1: 1 of 1,614,224 alleles (0.000062%); highest among the groups gnomAD compares: Non-Finnish European, 0.000085%; no homozygotes.

Submission:

Labcorp Genetics (formerly Invitae), Labcorp
Classification: Uncertain significance for Wilms tumor 1; Drash syndrome; 11p partial monosomy syndrome; Frasier syndrome. Last evaluated: 2024-04-17. Review status: criteria provided, single submitter. Criteria: Invitae Variant Classification Sherloc (09022015). Collection method: clinical testing. Allele origin: germline.
Comment: This sequence change replaces histidine, which is basic and polar, with aspartic acid, which is acidic and polar, at codon 344 of the WT1 protein (p.His344Asp). This variant is not present in population databases (gnomAD no frequency). This variant has not been reported in the literature in individuals affected with WT1-related conditions. An algorithm developed to predict the effect of missense changes on protein structure and function (PolyPhen-2) suggests that this variant is likely to be disruptive. In summary, the available evidence is currently insufficient to determine the role of this variant in disease. Therefore, it has been classified as a Variant of Uncertain Significance.